The following is an entry in ClinVar:

ClinVar aggregate classification (germline): Uncertain significance (1 of 4 stars; one submission).

Conditions:
Familial acute necrotizing encephalopathy (IIAE3). Also called: ENCEPHALOPATHY, ACUTE, INFECTION-INDUCED, SUSCEPTIBILITY TO, 3; Susceptibility to Acute Necrotizing Encephalopathy 1. Identifiers: Orphanet 88619, MedGen C2675556, MONDO:0011953, OMIM 608033.

Submission:

Labcorp Genetics (formerly Invitae), Labcorp
Classification: Uncertain significance for Familial acute necrotizing encephalopathy. Last evaluated: 2024-02-26. Review status: criteria provided, single submitter. Criteria: Invitae Variant Classification Sherloc (09022015). Collection method: clinical testing. Allele origin: germline.
Comment: This sequence change replaces proline, which is neutral and non-polar, with serine, which is neutral and polar, at codon 628 of the RANBP2 protein (p.Pro628Ser). This variant is not present in population databases (gnomAD no frequency). This variant has not been reported in the literature in individuals affected with RANBP2-related conditions. An algorithm developed to predict the effect of missense changes on protein structure and function (PolyPhen-2) suggests that this variant is likely to be tolerated. In summary, the available evidence is currently insufficient to determine the role of this variant in disease. Therefore, it has been classified as a Variant of Uncertain Significance.

NM_006267.5(RANBP2):c.1882C>T (p.Pro628Ser)

Gene: RANBP2 (RAN binding protein 2; plus strand). Cytogenetic location: 2q13.
Variant type: single nucleotide variant.
Coding change: c.1882C>T on transcript NM_006267.5 (MANE Select); coding-DNA position 1882, C replaced by T.
Protein change: p.Pro628Ser; replaces proline 628 with serine.
Molecular consequence: missense variant.
Genome position (GRCh38, 1-based): chr2:108,753,124, C>T. VCF-style: chr2-108753124-C-T. GRCh37 (hg19) VCF-style: chr2-109369580-C-T.
Other names: c.1882C>T, p.Pro628Ser (NM_001415871.1, NM_001415873.1); c.1879C>T, p.Pro627Ser (NM_001415872.1); short protein forms P628S, P627S.
Identifiers: ClinVar variation 2880913 (VCV002880913.3), dbSNP rs2149230486, ClinGen allele CA348052009.